The following is an entry in ClinVar:

ClinVar aggregate classification (germline): Likely benign. Review status: criteria provided, multiple submitters, no conflicts (2 of 4 stars). 4 submissions from 4 submitters: Likely benign (4). Last evaluated 2025-07-06.

Conditions:
Andersen Tawil syndrome (LQT7). Also called: ANDERSEN CARDIODYSRHYTHMIC PERIODIC PARALYSIS; Potassium-sensitive periodic paralysis, ventricular ectopy, and dysmorphic features; LONG QT SYNDROME 7; PERIODIC PARALYSIS, POTASSIUM-SENSITIVE CARDIODYSRHYTHMIC TYPE; Andersen Syndrome. Identifiers: Orphanet 37553, MedGen C1563715, MONDO:0008222, OMIM 170390.
Short QT syndrome type 3. Identifiers: Orphanet 51083, MedGen C1865018, MONDO:0012314, OMIM 609622.

Allele frequency attached by ClinVar (database versions not stated): gnomAD exomes below 0.00001 and 0.00002; gnomAD 0.00001.
gnomAD v4.1: 32 of 1,614,112 alleles (0.002%); highest among the groups gnomAD compares: East Asian, 0.067%; no homozygotes.

Submissions (4):

Labcorp Genetics (formerly Invitae), Labcorp
Classification: Likely benign for Short QT syndrome type 3; Andersen Tawil syndrome. Last evaluated: 2025-07-06. Review status: criteria provided, single submitter. Criteria: Invitae Variant Classification Sherloc (09022015). Collection method: clinical testing. Allele origin: germline.

ARUP Laboratories, Molecular Genetics and Genomics, ARUP Laboratories
Classification: Likely benign. Last evaluated: 2025-04-11. Review status: criteria provided, single submitter. Criteria: ARUP Molecular Germline Variant Investigation Process 2024. Collection method: clinical testing. Allele origin: germline.

Women's Health and Genetics/Laboratory Corporation of America, LabCorp
Classification: Likely benign. Last evaluated: 2024-06-20. Review status: criteria provided, single submitter. Criteria: LabCorp Variant Classification Summary - May 2015. Collection method: clinical testing. Allele origin: germline.

GeneDx
Classification: Likely benign. Last evaluated: 2017-08-31. Review status: criteria provided, single submitter. Criteria: GeneDx Variant Classification (06012015). Collection method: clinical testing. Allele origin: germline. Affected: yes.
Comment: This variant is considered likely benign or benign based on one or more of the following criteria: it is a conservative change, it occurs at a poorly conserved position in the protein, it is predicted to be benign by multiple in silico algorithms, and/or has population frequency not consistent with disease.

NM_000891.3(KCNJ2):c.687A>G (p.Ala229=)

Gene: KCNJ2 (potassium inwardly rectifying channel subfamily J member 2; plus strand). Cytogenetic location: 17q24.3.
Variant type: single nucleotide variant.
Coding change: c.687A>G on transcript NM_000891.3 (MANE Select); coding-DNA position 687, A replaced by G.
Protein change: p.Ala229=; no amino-acid change (alanine 229 retained).
Molecular consequence: synonymous variant.
Genome position (GRCh38, 1-based): chr17:70,175,726, A>G. VCF-style: chr17-70175726-A-G. GRCh37 (hg19) VCF-style: chr17-68171867-A-G.
Identifiers: ClinVar variation 506604 (VCV000506604.7), dbSNP rs1276042254, ClinGen allele CA501700830.